The following is an entry in ClinVar:

NM_014241.4(HACD1):c.483+2T>A

Gene: HACD1 (3-hydroxyacyl-CoA dehydratase 1; minus strand). Cytogenetic location: 10p12.33.
Variant type: single nucleotide variant.
Coding change: c.483+2T>A on transcript NM_014241.4 (MANE Select); the canonical splice donor site of the intron after coding-DNA position 483, T replaced by A.
Molecular consequence: splice donor variant.
Genome position (GRCh38, 1-based): chr10:17,603,558, A>T on the plus strand (T>A on the coding strand, the complement: HACD1 is on the minus strand). VCF-style: chr10-17603558-A-T. GRCh37 (hg19) VCF-style: chr10-17645557-A-T.
Identifiers: ClinVar variation 1943492 (VCV001943492.5), dbSNP rs782113697, ClinGen allele CA376196286.

ClinVar aggregate classification (germline): Likely pathogenic (1 of 4 stars; one submission).

gnomAD v4.1: 1 of 1,600,984 alleles (0.000062%); no homozygotes.

Submission:

Labcorp Genetics (formerly Invitae), Labcorp
Classification: Likely pathogenic. Last evaluated: 2022-10-27. Review status: criteria provided, single submitter. Criteria: Invitae Variant Classification Sherloc (09022015). Collection method: clinical testing. Allele origin: germline.
Comment: In summary, the currently available evidence indicates that the variant is pathogenic, but additional data are needed to prove that conclusively. Therefore, this variant has been classified as Likely Pathogenic. Algorithms developed to predict the effect of sequence changes on RNA splicing suggest that this variant may disrupt the consensus splice site. This variant has not been reported in the literature in individuals affected with HACD1-related conditions. This variant is not present in population databases (gnomAD no frequency). This sequence change affects a donor splice site in intron 4 of the HACD1 gene. It is expected to disrupt RNA splicing. Variants that disrupt the donor or acceptor splice site typically lead to a loss of protein function (PMID: 16199547), and loss-of-function variants in HACD1 are known to be pathogenic (PMID: 23933735).

Literature cited by the submitters: PubMed 16199547; PubMed 23933735.